The following is an entry in ClinVar:

NM_001042492.3(NF1):c.937del (p.Ser313fs)

Gene: NF1 (neurofibromin 1; plus strand). Cytogenetic location: 17q11.2.
Variant type: Deletion.
Coding change: c.937del on transcript NM_001042492.3 (MANE Select); coding-DNA position 937, one base deleted (A; older notation c.937delA).
Protein change: p.Ser313fs; shifts the reading frame from serine 313.
Molecular consequence: frameshift variant.
Genome position (GRCh38, 1-based): chr17:31,200,470, A deleted; the last of 2 consecutive A bases (chr17:31,200,469-31,200,470); deleting either gives the same sequence. VCF-style (leftmost placement, unchanged base first): chr17-31200468-GA-G. GRCh37 (hg19) VCF-style: chr17-29527486-GA-G.
Other names: c.937delA, p.Ser313Valfs (NM_000267.4); c.937del, p.Ser313fs (NM_001128147.3); short protein forms S313fs.
Identifiers: ClinVar variation 1071315 (VCV001071315.5), dbSNP rs2143872679, ClinGen allele CA658760979.

ClinVar aggregate classification (germline): Pathogenic (1 of 4 stars; one submission).

Conditions:
Neurofibromatosis, type 1 (NF1). Also called: VON RECKLINGHAUSEN DISEASE; Peripheral type neurofibromatosis; NEUROFIBROMATOSIS, TYPE I, SOMATIC; Neurofibromatosis, type I. Identifiers: Orphanet 636, MedGen C0027831, MONDO:0018975, OMIM 162200. Disease mechanism: loss of function.

Submission:

Labcorp Genetics (formerly Invitae), Labcorp
Classification: Pathogenic for Neurofibromatosis, type 1. Last evaluated: 2020-10-20. Review status: criteria provided, single submitter. Criteria: Invitae Variant Classification Sherloc (09022015). Collection method: clinical testing. Allele origin: germline.
Comment: This variant has been observed in individual(s) with clinical features of neurofibromatosis type 1 (PMID: 23913538). For these reasons, this variant has been classified as Pathogenic. Algorithms developed to predict the effect of sequence changes on RNA splicing suggest that this variant may create or strengthen a splice site, but this prediction has not been confirmed by published transcriptional studies. This variant is not present in population databases (ExAC no frequency). This sequence change creates a premature translational stop signal (p.Ser313Valfs*4) in the NF1 gene. It is expected to result in an absent or disrupted protein product. Loss-of-function variants in NF1 are known to be pathogenic (PMID: 10712197, 23913538).

Literature cited by the submitters: PubMed 23913538; PubMed 10712197.